The following is an entry in ClinVar:

NM_004100.5(EYA4):c.1627A>G (p.Ile543Val)

Genes: TARID (TCF21 antisense RNA inducing promoter demethylation; minus strand), EYA4 (EYA transcriptional coactivator and phosphatase 4; plus strand). Cytogenetic location: 6q23.2.
Variant type: single nucleotide variant.
Coding change: c.1627A>G on transcript NM_004100.5 (MANE Select); coding-DNA position 1627, A replaced by G.
Protein change: p.Ile543Val; replaces isoleucine 543 with valine.
Molecular consequence: missense variant.
Genome position (GRCh38, 1-based): chr6:133,523,066, A>G. VCF-style: chr6-133523066-A-G. GRCh37 (hg19) VCF-style: chr6-133844204-A-G.
Other names: c.1465A>G, p.Ile489Val (NM_001301012.2); c.1645A>G, p.Ile549Val (NM_001301013.2); c.1558A>G, p.Ile520Val (NM_001370458.1, NM_172103.4); c.1483A>G, p.Ile495Val (NM_001370459.1); c.1627A>G, p.Ile543Val (NM_172105.4); c.1627A>G (NM_004100.4); short protein forms I543V, I549V, I489V, I495V, I520V.
Identifiers: ClinVar variation 1449640 (VCV001449640.8), dbSNP rs1800325384, ClinGen allele CA365698302.
Genomic context (GRCh38, chr6:133,523,066, plus strand): 5'-AAGTTATTTAGTATTAGAAAACAAACATGTATATTTCCTCCCTATTTTAGGAGTAACTGC[A>G]TAAATGTCTTGGTAACGACAACTCAACTGATCCCAGCACTTGCGAAGGTTCTACTCTATA-3'
Protein context (NP_004091.3, residues 533-553): LSIISTRSNC[Ile543Val]NVLVTTTQLI

ClinVar aggregate classification (germline): Conflicting classifications of pathogenicity. Review status: criteria provided, conflicting classifications (1 of 4 stars). 3 submissions from 3 submitters: Uncertain significance (2); Likely benign (1). Last evaluated 2025-08-12.

Conditions:
Cardiovascular phenotype. Identifiers: MedGen CN230736.
Dilated cardiomyopathy 1J (CMD1J). Also called: CARDIOMYOPATHY, DILATED, WITH SENSORINEURAL HEARING LOSS, AUTOSOMAL DOMINANT. Identifiers: Orphanet 217622, MedGen C1854368, MONDO:0011541, OMIM 605362.

Allele frequency attached by ClinVar (database versions not stated): gnomAD exomes below 0.00001.
gnomAD v4.1: 2 of 1,611,760 alleles (0.00012%); highest among the groups gnomAD compares: Non-Finnish European, 0.00017%; no homozygotes.

Submissions (3):

GeneDx
Classification: Uncertain significance. Last evaluated: 2025-08-12. Review status: criteria provided, single submitter. Criteria: GeneDx Variant Classification Process June 2021. Collection method: clinical testing. Allele origin: germline. Affected: yes.
Comment: Not observed at significant frequency in large population cohorts (gnomAD); In silico analysis suggests that this missense variant does not alter protein structure/function; Has not been previously published as pathogenic or benign to our knowledge

Ambry Genetics
Classification: Likely benign for Cardiovascular phenotype. Last evaluated: 2024-11-18. Review status: criteria provided, single submitter. Criteria: Ambry Variant Classification Scheme 2023. Collection method: clinical testing. Allele origin: germline.

Labcorp Genetics (formerly Invitae), Labcorp
Classification: Uncertain significance for Dilated cardiomyopathy 1J. Last evaluated: 2024-03-01. Review status: criteria provided, single submitter. Criteria: Invitae Variant Classification Sherloc (09022015). Collection method: clinical testing. Allele origin: germline.
Comment: This sequence change replaces isoleucine, which is neutral and non-polar, with valine, which is neutral and non-polar, at codon 543 of the EYA4 protein (p.Ile543Val). This variant is not present in population databases (gnomAD no frequency). This variant has not been reported in the literature in individuals affected with EYA4-related conditions. ClinVar contains an entry for this variant (Variation ID: 1449640). Algorithms developed to predict the effect of missense changes on protein structure and function output the following: SIFT: "Not Available"; PolyPhen-2: "Benign"; Align-GVGD: "Not Available". The valine amino acid residue is found in multiple mammalian species, which suggests that this missense change does not adversely affect protein function. In summary, the available evidence is currently insufficient to determine the role of this variant in disease. Therefore, it has been classified as a Variant of Uncertain Significance.